The following is an entry in ClinVar:

ClinVar aggregate classification (germline): Uncertain significance (1 of 4 stars; one submission).

Conditions:
Capillary malformation-arteriovenous malformation syndrome. Also called: Capillary malformation-arteriovenous malformation. Identifiers: Orphanet 137667, MedGen C1842180, MONDO:0012016.

Submission:

Labcorp Genetics (formerly Invitae), Labcorp
Classification: Uncertain significance for Capillary malformation-arteriovenous malformation syndrome. Last evaluated: 2025-11-17. Review status: criteria provided, single submitter. Criteria: Invitae Variant Classification Sherloc (09022015). Collection method: clinical testing. Allele origin: germline.
Comment: This sequence change replaces alanine, which is neutral and non-polar, with aspartic acid, which is acidic and polar, at codon 18 of the RASA1 protein (p.Ala18Asp). This variant is not present in population databases (gnomAD no frequency). This variant has not been reported in the literature in individuals affected with RASA1-related conditions. ClinVar contains an entry for this variant (Variation ID: 3687329). An algorithm developed to predict the effect of missense changes on protein structure and function (PolyPhen-2) suggests that this variant is likely to be disruptive. In summary, the available evidence is currently insufficient to determine the role of this variant in disease. Therefore, it has been classified as a Variant of Uncertain Significance.

NM_002890.3(RASA1):c.53C>A (p.Ala18Asp)

Gene: RASA1 (RAS p21 protein activator 1; plus strand). Cytogenetic location: 5q14.3.
Variant type: single nucleotide variant.
Coding change: c.53C>A on transcript NM_002890.3 (MANE Select); coding-DNA position 53, C replaced by A.
Protein change: p.Ala18Asp; replaces alanine 18 with aspartic acid.
Molecular consequence: missense variant.
Genome position (GRCh38, 1-based): chr5:87,268,504, C>A. VCF-style: chr5-87268504-C-A. GRCh37 (hg19) VCF-style: chr5-86564321-C-A.
Other names: short protein forms A18D.
Identifiers: ClinVar variation 3687329 (VCV003687329.2).